The following is an entry in ClinVar:

ClinVar aggregate classification (germline): Conflicting classifications of pathogenicity. Review status: criteria provided, conflicting classifications (1 of 4 stars). 7 submissions from 7 submitters: Uncertain significance (6); Likely benign (1). Last evaluated 2026-05-28.

Conditions:
Microcephaly and chorioretinopathy 1. Also called: Microcephaly and chorioretinopathy, autosomal recessive, 1. Identifiers: MedGen C3278481, MONDO:0009624, OMIM 251270.

Allele frequency attached by ClinVar (database versions not stated): 1000 Genomes Project 30x 0.00016; 1000 Genomes Project 0.00020; gnomAD exomes 0.00085; gnomAD 0.00090 and 0.00113; ExAC 0.00097; TOPMed 0.00113; ESP Exome Variant Server 0.00123.
gnomAD v4.1: 2,315 of 1,613,774 alleles (0.14%); highest among the groups gnomAD compares: Non-Finnish European, 0.18%; 4 homozygotes.

Submissions (7):

Women's Health and Genetics/Laboratory Corporation of America, LabCorp
Classification: Uncertain significance. Last evaluated: 2026-05-28. Review status: criteria provided, single submitter. Criteria: LabCorp Variant Classification Summary - May 2015. Collection method: clinical testing. Allele origin: germline.
Comment: Variant summary: TUBGCP6 c.589T>C (p.Ser197Pro) results in a non-conservative amino acid change in the encoded protein sequence. Algorithms developed to predict the effect of missense changes on protein structure and function are either unavailable or do not agree on the potential impact of this missense change. The variant allele was found at a frequency of 0.00085 in 250718 control chromosomes (gnomAD). This frequency is not significantly higher than estimated for disease-causing variants in TUBGCP6, allowing no conclusion about variant significance. c.589T>C has been observed in an individual affected with TUBGCP6-related conditions (Kolbjer_2021). This report does not provide unequivocal conclusions about association of the variant with disease. To our knowledge, no experimental evidence demonstrating an impact on protein function has been reported. The following publications have been ascertained in the context of this evaluation (PMID: 33726816, 33453472). ClinVar contains an entry for this variant (Variation ID: 809385). Based on the evidence outlined above, the variant was classified as uncertain significance.

Labcorp Genetics (formerly Invitae), Labcorp
Classification: Uncertain significance. Last evaluated: 2026-01-26. Review status: criteria provided, single submitter. Criteria: Invitae Variant Classification Sherloc (09022015). Collection method: clinical testing. Allele origin: germline.
Comment: This sequence change replaces serine, which is neutral and polar, with proline, which is neutral and non-polar, at codon 197 of the TUBGCP6 protein (p.Ser197Pro). This variant is present in population databases (rs138586345, gnomAD 0.2%), and has an allele count higher than expected for a pathogenic variant. This missense change has been observed in individual(s) with clinical features of TUBGCP6-related conditions (PMID: 33453472). In at least one individual the data is consistent with being in trans (on the opposite chromosome) from a pathogenic variant. ClinVar contains an entry for this variant (Variation ID: 809385). An algorithm developed to predict the effect of missense changes on protein structure and function (PolyPhen-2) suggests that this variant is likely to be disruptive. In summary, the available evidence is currently insufficient to determine the role of this variant in disease. Therefore, it has been classified as a Variant of Uncertain Significance.

Revvity Omics, Revvity
Classification: Uncertain significance for Microcephaly and chorioretinopathy 1. Last evaluated: 2025-06-13. Review status: criteria provided, single submitter. Criteria: ACMG Guidelines, 2015. Collection method: clinical testing. Allele origin: germline.

Center for Genomic Medicine, Rigshospitalet, Copenhagen University Hospital
Classification: Uncertain significance. Last evaluated: 2025-03-04. Review status: criteria provided, single submitter. Criteria: ACMG Guidelines, 2015. Collection method: clinical testing. Allele origin: germline.

Blueprint Genetics
Classification: Uncertain significance. Last evaluated: 2024-11-19. Review status: criteria provided, single submitter. Criteria: ACMG Guidelines, 2015. Collection method: clinical testing. Allele origin: germline.

CeGaT Center for Human Genetics Tuebingen
Classification: Likely benign. Last evaluated: 2023-02-01. Review status: criteria provided, single submitter. Criteria: CeGaT Center For Human Genetics Tuebingen Variant Classification Criteria Version 2. Collection method: clinical testing. Allele origin: germline. Affected: yes. Observed: 3 variant alleles.
Comment: TUBGCP6: BP4

GeneDx
Classification: Uncertain significance. Last evaluated: 2022-05-24. Review status: criteria provided, single submitter. Criteria: GeneDx Variant Classification Process June 2021. Collection method: clinical testing. Allele origin: germline. Affected: yes.
Comment: Observed with a nonsense variant on the opposite allele (in trans) in a patient with lissencephaly, generalized tonic clonic seizures, myoclonic seizures, and moderate intellectual disability in the published literature (Kolbjer et al., 2021); In silico analysis supports that this missense variant has a deleterious effect on protein structure/function; This variant is associated with the following publications: (PMID: 33453472, 33726816)

Literature cited by the submitters: PubMed 33726816 (cited by Women's Health and Genetics/Laboratory Corporation of America, LabCorp); PubMed 33453472 (cited by 3 submitters).

NM_020461.4(TUBGCP6):c.589T>C (p.Ser197Pro)

Gene: TUBGCP6 (tubulin gamma complex component 6; minus strand). Cytogenetic location: 22q13.33.
Variant type: single nucleotide variant.
Coding change: c.589T>C on transcript NM_020461.4 (MANE Select); coding-DNA position 589, T replaced by C.
Protein change: p.Ser197Pro; replaces serine 197 with proline.
Molecular consequence: missense variant.
Genome position (GRCh38, 1-based): chr22:50,243,871, A>G on the plus strand (T>C on the coding strand, the complement: TUBGCP6 is on the minus strand). VCF-style: chr22-50243871-A-G. GRCh37 (hg19) VCF-style: chr22-50682300-A-G.
Other names: short protein forms S197P.
Identifiers: ClinVar variation 809385 (VCV000809385.58), dbSNP rs138586345, ClinGen allele CA10309020.